The following is an entry in ClinVar:

NM_003070.5(SMARCA2):c.763G>A (p.Ala255Thr)

Gene: SMARCA2 (SWI/SNF related BAF chromatin remodeling complex subunit ATPase 2; plus strand). Cytogenetic location: 9p24.3.
Variant type: single nucleotide variant.
Coding change: c.763G>A on transcript NM_003070.5 (MANE Select); coding-DNA position 763, G replaced by A.
Protein change: p.Ala255Thr; replaces alanine 255 with threonine.
Molecular consequence: missense variant.
Genome position (GRCh38, 1-based): chr9:2,039,873, G>A. VCF-style: chr9-2039873-G-A. GRCh37 (hg19) VCF-style: chr9-2039873-G-A.
Other names: c.763G>A, p.Ala255Thr (NM_001289396.2, NM_001289397.2, NM_139045.4); short protein forms A255T.
Identifiers: ClinVar variation 1699514 (VCV001699514.2), dbSNP rs745669287, ClinGen allele CA4962998.

ClinVar aggregate classification (germline): Uncertain significance (1 of 4 stars; one submission).

Allele frequency attached by ClinVar (database versions not stated): gnomAD exomes below 0.00001 and 0.00001; ExAC 0.00001; gnomAD 0.00001; TOPMed 0.00002.
gnomAD v4.1: 4 of 1,613,720 alleles (0.00025%); highest among the groups gnomAD compares: Non-Finnish European, 0.00034%; no homozygotes.

Submission:

GeneDx
Classification: Uncertain significance. Last evaluated: 2022-02-01. Review status: criteria provided, single submitter. Criteria: GeneDx Variant Classification Process June 2021. Collection method: clinical testing. Allele origin: germline. Affected: yes.
Comment: In silico analysis supports that this missense variant does not alter protein structure/function; Has not been previously published as pathogenic or benign to our knowledge